The following is an entry in ClinVar:

ClinVar aggregate classification (germline): Benign. Review status: criteria provided, multiple submitters, no conflicts (2 of 4 stars). 2 submissions from 2 submitters: Benign (2). Last evaluated 2026-02-04.

Allele frequency attached by ClinVar (database versions not stated): gnomAD 0.00140 and 0.00218; gnomAD exomes 0.00221 and 0.00508; TOPMed 0.00247; ExAC 0.00499; 1000 Genomes Project 30x 0.00843; 1000 Genomes Project 0.00998.
gnomAD v4.1: 3,559 of 1,613,998 alleles (0.22%); highest among the groups gnomAD compares: East Asian, 6.9%; 120 homozygotes.

Submissions (2):

Labcorp Genetics (formerly Invitae), Labcorp
Classification: Benign. Last evaluated: 2026-02-04. Review status: criteria provided, single submitter. Criteria: Invitae Variant Classification Sherloc (09022015). Collection method: clinical testing. Allele origin: germline.

GeneDx
Classification: Benign. Last evaluated: 2017-05-31. Review status: criteria provided, single submitter. Criteria: GeneDx Variant Classification (06012015). Collection method: clinical testing. Allele origin: germline. Affected: yes.
Comment: This variant is considered likely benign or benign based on one or more of the following criteria: it is a conservative change, it occurs at a poorly conserved position in the protein, it is predicted to be benign by multiple in silico algorithms, and/or has population frequency not consistent with disease.

NM_001128159.3(VPS53):c.1556+3G>A

Gene: VPS53 (VPS53 subunit of GARP complex; minus strand). Cytogenetic location: 17p13.3.
Variant type: single nucleotide variant.
Coding change: c.1556+3G>A on transcript NM_001128159.3 (MANE Select); 3 bases into the intron after coding-DNA position 1556, G replaced by A.
Molecular consequence: intron variant.
Genome position (GRCh38, 1-based): chr17:562,500, C>T on the plus strand (G>A on the coding strand, the complement: VPS53 is on the minus strand). VCF-style: chr17-562500-C-T. GRCh37 (hg19) VCF-style: chr17-465740-C-T.
Other names: c.1469+3G>A (NM_018289.4); c.1556+3G>A (NM_001366253.2); c.962+3G>A (NM_001366254.2).
Identifiers: ClinVar variation 506353 (VCV000506353.9), dbSNP rs77612078, ClinGen allele CA8261372.
Genomic context (GRCh38, chr17:562,500, plus strand): 5'-TCCTTAAGATTCCCATATTTAGGTCTATTTGCCACCACTCAGACTATGAAGAACAGGACT[C>T]ACTTGGGCAGGTTGCCAGAGAGGATTTTCCAGGCGTATTCTCGGAGGTACTTCTGGAAAA-3'